The following is an entry in ClinVar:

NM_000018.4(ACADVL):c.1604T>A (p.Leu535Gln)

Gene: ACADVL (acyl-CoA dehydrogenase very long chain; plus strand). Cytogenetic location: 17p13.1.
Variant type: single nucleotide variant.
Coding change: c.1604T>A on transcript NM_000018.4 (MANE Select); coding-DNA position 1604, T replaced by A.
Protein change: p.Leu535Gln; replaces leucine 535 with glutamine.
Molecular consequence: missense variant.
Genome position (GRCh38, 1-based): chr17:7,224,392, T>A. VCF-style: chr17-7224392-T-A. GRCh37 (hg19) VCF-style: chr17-7127711-T-A.
Other names: c.1538T>A, p.Leu513Gln (NM_001033859.3); c.1673T>A, p.Leu558Gln (NM_001270447.2); c.1376T>A, p.Leu459Gln (NM_001270448.2); short protein forms L459Q, L513Q, L558Q, L535Q.
Identifiers: ClinVar variation 5029812 (VCV005029812.1).
Genomic context (GRCh38, chr17:7,224,392, plus strand): 5'-TGGGCAGCGGCCTGAGTCTCAGCGGACTTGTCCACCCGGAGTTGAGTCGGAGTGGCGAGC[T>A]GGTAAGTGGCCAGGGGTCCAGGAGAGCCTGCATCAGGGACTGCAGCCGATGGCCCCTCTG-3'
Protein context (NP_000009.1, residues 525-545): VHPELSRSGE[Leu535Gln]AVRALEQFAT

ClinVar aggregate classification (germline): Uncertain significance (1 of 4 stars; one submission).

Conditions:
Inborn genetic diseases. Identifiers: MedGen C0950123, MeSH D030342.

Submission:

Ambry Genetics
Classification: Uncertain significance for Inborn genetic diseases. Last evaluated: 2026-07-19. Review status: criteria provided, single submitter. Criteria: Ambry Variant Classification Scheme 2023. Collection method: clinical testing. Allele origin: germline.
Comment: The p.L535Q variant (also known as c.1604T>A), located in coding exon 16 of the ACADVL gene, results from a T to A substitution at nucleotide position 1604. The leucine at codon 535 is replaced by glutamine, an amino acid with dissimilar properties. This amino acid position is conserved. In addition, the in silico prediction for this alteration is inconclusive. Based on the available evidence, the clinical significance of this variant remains unclear.